The following is an entry in ClinVar:

ClinVar aggregate classification (germline): Uncertain significance. Review status: criteria provided, multiple submitters, no conflicts (2 of 4 stars). 3 submissions from 3 submitters: Uncertain significance (2). 1 of the submissions does not count toward it. Last evaluated 2025-10-18.

Conditions:
DSP-related disorder. Also called: DSP-related disorders; DSP-related condition.
Arrhythmogenic right ventricular dysplasia 8 (ARVD8). Also called: Arrhythmogenic Right Ventricular Dysplasia/Cardiomyopathy 8; ARRHYTHMOGENIC RIGHT VENTRICULAR DYSPLASIA, FAMILIAL, 8; ARRHYTHMOGENIC RIGHT VENTRICULAR CARDIOMYOPATHY 8. Identifiers: MedGen C1843896, MONDO:0011831, OMIM 607450.
Arrhythmogenic cardiomyopathy with wooly hair and keratoderma. Also called: PALMOPLANTAR KERATODERMA WITH LEFT VENTRICULAR CARDIOMYOPATHY AND WOOLLY HAIR; Dilated cardiomyopathy with woolly hair and keratoderma; Carvajal syndrome; Arrhythmogenic cardiomyopathy with woolly hair and keratoderma. Identifiers: Orphanet 65282, MedGen C1854063, MONDO:0011581, OMIM 605676.
Cardiomyopathy (CMYO). Also called: Cardiomyopathies. Identifiers: Orphanet 167848, MedGen C0878544, MONDO:0004994, HP:0001638. Inheritance: Various modes of inheritance.

Allele frequency attached by ClinVar (database versions not stated): gnomAD 0.00001.
gnomAD v4.1: 4 of 1,614,090 alleles (0.00025%); highest among the groups gnomAD compares: East Asian, 0.0022%; no homozygotes.

Submissions (3):

Labcorp Genetics (formerly Invitae), Labcorp
Classification: Uncertain significance for Arrhythmogenic cardiomyopathy with wooly hair and keratoderma; Arrhythmogenic right ventricular dysplasia 8. Last evaluated: 2025-10-18. Review status: criteria provided, single submitter. Criteria: Invitae Variant Classification Sherloc (09022015). Collection method: clinical testing. Allele origin: germline.
Comment: This sequence change replaces aspartic acid, which is acidic and polar, with histidine, which is basic and polar, at codon 2579 of the DSP protein (p.Asp2579His). This variant is not present in population databases (gnomAD no frequency). This missense change has been observed in individual(s) with sudden unexplained death (PMID: 26585738). ClinVar contains an entry for this variant (Variation ID: 1518550). An algorithm developed to predict the effect of missense changes on protein structure and function (PolyPhen-2) suggests that this variant is likely to be disruptive. In summary, the available evidence is currently insufficient to determine the role of this variant in disease. Therefore, it has been classified as a Variant of Uncertain Significance.

Color Diagnostics, LLC DBA Color Health
Classification: Uncertain significance for Cardiomyopathy. Last evaluated: 2025-05-12. Review status: criteria provided, single submitter. Criteria: ACMG Guidelines, 2015. Collection method: clinical testing. Allele origin: germline.
Comment: This missense variant replaces aspartic acid with histidine at codon 2579 of the DSP protein. Computational prediction suggests that this variant may not impact protein structure and function. To our knowledge, functional studies have not been reported for this variant. This variant has been reported in an individual affected with sudden unexplained nocturnal death (PMID: 26585738, 27707468). This variant has not been identified in the general population by the Genome Aggregation Database (gnomAD). The available evidence is insufficient to determine the role of this variant in disease conclusively. Therefore, this variant is classified as a Variant of Uncertain Significance.

PreventionGenetics, part of Exact Sciences
Classification: Uncertain significance for DSP-related condition. Last evaluated: 2023-12-04. Review status: no assertion criteria provided. Collection method: clinical testing. Allele origin: germline. Not counted in ClinVar's aggregate classification.
Comment: The DSP c.7735G>C variant is predicted to result in the amino acid substitution p.Asp2579His. This variant was reported in a case of sudden unexplained nocturnal death syndrome (Zhao et al. 2016. PubMed ID: 26585738). This variant has not been reported in a large population database, indicating this variant is rare. At this time, the clinical significance of this variant is uncertain due to the absence of conclusive functional and genetic evidence.

Literature cited by the submitters: PubMed 26585738 (cited by Labcorp Genetics (formerly Invitae), Labcorp and Color Diagnostics, LLC DBA Color Health); PubMed 27707468 (cited by Color Diagnostics, LLC DBA Color Health).

NM_004415.4(DSP):c.7735G>C (p.Asp2579His)

Gene: DSP (desmoplakin; plus strand). Cytogenetic location: 6p24.3.
Variant type: single nucleotide variant.
Coding change: c.7735G>C on transcript NM_004415.4 (MANE Select); coding-DNA position 7735, G replaced by C.
Protein change: p.Asp2579His; replaces aspartic acid 2579 with histidine.
Molecular consequence: missense variant.
Genome position (GRCh38, 1-based): chr6:7,584,997, G>C. VCF-style: chr6-7584997-G-C. GRCh37 (hg19) VCF-style: chr6-7585230-G-C.
Other names: c.5938G>C, p.Asp1980His (NM_001008844.3); c.6406G>C, p.Asp2136His (NM_001319034.2); c.7735G>C (NM_004415.3); short protein forms D2579H, D1980H, D2136H.
Identifiers: ClinVar variation 1518550 (VCV001518550.9), dbSNP rs750744914, ClinGen allele CA362693663.